The following is an entry in ClinVar:

NM_006005.3(WFS1):c.656T>C (p.Val219Ala)

Gene: WFS1 (wolframin ER transmembrane glycoprotein; plus strand). Cytogenetic location: 4p16.1.
Variant type: single nucleotide variant.
Coding change: c.656T>C on transcript NM_006005.3 (MANE Select); coding-DNA position 656, T replaced by C.
Protein change: p.Val219Ala; replaces valine 219 with alanine.
Molecular consequence: missense variant.
Genome position (GRCh38, 1-based): chr4:6,291,941, T>C. VCF-style: chr4-6291941-T-C. GRCh37 (hg19) VCF-style: chr4-6293668-T-C.
Other names: c.656T>C, p.Val219Ala (NM_001145853.1); short protein forms V219A.
Identifiers: ClinVar variation 1411691 (VCV001411691.9), dbSNP rs373662682, ClinGen allele CA2838988.

ClinVar aggregate classification (germline): Uncertain significance. Review status: criteria provided, multiple submitters, no conflicts (2 of 4 stars). 3 submissions from 3 submitters: Uncertain significance (3). Last evaluated 2025-08-19.

Conditions:
Inborn genetic diseases. Identifiers: MedGen C0950123, MeSH D030342.
Cataract 41 (CTRCT41). Also called: CATARACT 41, CONGENITAL NUCLEAR TYPE. Identifiers: Orphanet 91492, Orphanet 98991, Orphanet 98992, Orphanet 98995, MedGen C3805412, MONDO:0007287, OMIM 116400.
Wolfram syndrome 1 (WFS1). Identifiers: Orphanet 3463, MedGen C4551693, MONDO:0009101, OMIM 222300.
Autosomal dominant nonsyndromic hearing loss 6 (LFSNHL). Also called: DEAFNESS, AUTOSOMAL DOMINANT 6; DEAFNESS, AUTOSOMAL DOMINANT 14; DEAFNESS, AUTOSOMAL DOMINANT 38; Autosomal dominant nonsyndromic deafness 6. Identifiers: Orphanet 90635, MedGen C1833021, MONDO:0010963, OMIM 600965.
Wolfram-like syndrome. Also called: HEARING LOSS, PROGRESSIVE, WITH OPTIC ATROPHY AND/OR IMPAIRED GLUCOSE REGULATION. Identifiers: Orphanet 411590, MedGen C3280358, MONDO:0013673, OMIM 614296.
Type 2 diabetes mellitus. Also called: Type II diabetes mellitus. Identifiers: MedGen C0011860, MeSH D003924, MONDO:0005148, OMIM 125853, HP:0005978.

Allele frequency attached by ClinVar (database versions not stated): gnomAD exomes below 0.00001 and 0.00001; ExAC 0.00002; gnomAD 0.00005 and 0.00006; ESP Exome Variant Server 0.00008; TOPMed 0.00009.
gnomAD v4.1: 17 of 1,611,226 alleles (0.0011%); highest among the groups gnomAD compares: African/African-American, 0.017%; no homozygotes.

Submissions (3):

Labcorp Genetics (formerly Invitae), Labcorp
Classification: Uncertain significance. Last evaluated: 2025-08-19. Review status: criteria provided, single submitter. Criteria: Invitae Variant Classification Sherloc (09022015). Collection method: clinical testing. Allele origin: germline.
Comment: This sequence change replaces valine, which is neutral and non-polar, with alanine, which is neutral and non-polar, at codon 219 of the WFS1 protein (p.Val219Ala). This variant is present in population databases (rs373662682, gnomAD 0.02%). This variant has not been reported in the literature in individuals affected with WFS1-related conditions. ClinVar contains an entry for this variant (Variation ID: 1411691). Invitae Evidence Modeling of protein sequence and biophysical properties (such as structural, functional, and spatial information, amino acid conservation, physicochemical variation, residue mobility, and thermodynamic stability) has been performed for this missense variant. However, the output from this modeling did not meet the statistical confidence thresholds required to predict the impact of this variant on WFS1 protein function. In summary, the available evidence is currently insufficient to determine the role of this variant in disease. Therefore, it has been classified as a Variant of Uncertain Significance.

Fulgent Genetics
Classification: Uncertain significance for Cataract 41; Type 2 diabetes mellitus; Wolfram syndrome 1; Autosomal dominant nonsyndromic hearing loss 6; Wolfram-like syndrome. Last evaluated: 2024-01-30. Review status: criteria provided, single submitter. Criteria: ACMG Guidelines, 2015. Collection method: clinical testing. Allele origin: germline.

Ambry Genetics
Classification: Uncertain significance for Inborn genetic diseases. Last evaluated: 2022-07-14. Review status: criteria provided, single submitter. Criteria: Ambry Variant Classification Scheme 2023. Collection method: clinical testing. Allele origin: germline.